The following is an entry in ClinVar:

NM_178857.6(RP1L1):c.6603A>T (p.Ala2201=)

Gene: RP1L1 (RP1 like 1). Cytogenetic location: 8p23.1.
Variant type: single nucleotide variant.
Coding change: c.6603A>T on transcript NM_178857.6 (MANE Select); coding-DNA position 6603, A replaced by T.
Protein change: p.Ala2201=; no amino-acid change (alanine 2201 retained).
Molecular consequence: synonymous variant.
Genome position (GRCh38, 1-based): chr8:10,607,495, T>A on the plus strand (A>T on the coding strand, the complement: RP1L1 is on the minus strand). VCF-style: chr8-10607495-T-A. GRCh37 (hg19) VCF-style: chr8-10465005-T-A.
Identifiers: ClinVar variation 361216 (VCV000361216.11), dbSNP rs886062574, ClinGen allele CA10624503.

ClinVar aggregate classification (germline): Conflicting classifications of pathogenicity. Review status: criteria provided, conflicting classifications (1 of 4 stars). 2 submissions from 2 submitters: Uncertain significance (1); Likely benign (1). Last evaluated 2025-10-01.

Conditions:
Occult macular dystrophy (OCMD). Also called: OMD; OCCULT MACULAR DYSTROPHY, SUSCEPTIBILITY TO. Identifiers: Orphanet 247834, MedGen C3150833, MONDO:0013316, OMIM 613587, HP:0030636.

Allele frequency attached by ClinVar (database versions not stated): gnomAD exomes below 0.00001 and 0.00001.

Submissions (2):

CeGaT Center for Human Genetics Tuebingen
Classification: Likely benign. Last evaluated: 2025-10-01. Review status: criteria provided, single submitter. Criteria: CeGaT Center For Human Genetics Tuebingen Variant Classification Criteria Version 2. Collection method: clinical testing. Allele origin: germline. Affected: yes. Observed: 1 variant allele.
Comment: RP1L1: BP4, BP7

Illumina Laboratory Services, Illumina
Classification: Uncertain significance for Occult macular dystrophy. Last evaluated: 2018-01-13. Review status: criteria provided, single submitter. Criteria: ICSL Variant Classification Criteria 13 December 2019. Collection method: clinical testing. Allele origin: germline.